The following is an entry in ClinVar:

NM_000496.3(CRYBB2):c.556T>A (p.Ser186Thr)

Gene: CRYBB2 (crystallin beta B2; plus strand). Cytogenetic location: 22q11.23.
Variant type: single nucleotide variant.
Coding change: c.556T>A on transcript NM_000496.3 (MANE Select); coding-DNA position 556, T replaced by A.
Protein change: p.Ser186Thr; replaces serine 186 with threonine.
Molecular consequence: missense variant.
Genome position (GRCh38, 1-based): chr22:25,231,710, T>A. VCF-style: chr22-25231710-T-A. GRCh37 (hg19) VCF-style: chr22-25627677-T-A.
Other names: short protein forms S186T.
Identifiers: ClinVar variation 3032720 (VCV003032720.2), dbSNP rs864309683, ClinGen allele CA410988363.

ClinVar aggregate classification (germline): Uncertain significance (0 of 4 stars; one submission).

Conditions:
CRYBB2-related disorder. Also called: CRYBB2-related condition.

Submission:

PreventionGenetics, part of Exact Sciences
Classification: Uncertain significance for CRYBB2-related condition. Last evaluated: 2023-12-24. Review status: no assertion criteria provided. Collection method: clinical testing. Allele origin: germline.
Comment: The CRYBB2 c.556T>A variant is predicted to result in the amino acid substitution p.Ser186Thr. To our knowledge, this variant has not been reported in the literature or in a large population database, indicating this variant is rare. Of note, another variant impacting the same amino acid (p.Ser186Pro) was reported as de novo in a patient with congenital cataracts (Ma et al. 2016. PubMed ID: 26694549). At this time, the clinical significance of the c.556T>A (p.Ser186Thr) variant is uncertain due to the absence of conclusive functional and genetic evidence.